The following is an entry in ClinVar:

NM_078480.3(PUF60):c.1328C>T (p.Ser443Leu)

Gene: PUF60 (poly(U) binding splicing factor 60; minus strand). Cytogenetic location: 8q24.3.
Variant type: single nucleotide variant.
Coding change: c.1328C>T on transcript NM_078480.3 (MANE Select); coding-DNA position 1328, C replaced by T.
Protein change: p.Ser443Leu; replaces serine 443 with leucine.
Molecular consequence: missense variant.
Genome position (GRCh38, 1-based): chr8:143,816,962, G>A on the plus strand (C>T on the coding strand, the complement: PUF60 is on the minus strand). VCF-style: chr8-143816962-G-A. GRCh37 (hg19) VCF-style: chr8-144899132-G-A.
Other names: c.1199C>T, p.Ser400Leu (NM_001136033.3); c.1274C>T, p.Ser425Leu (NM_001271096.2); c.1190C>T, p.Ser397Leu (NM_001271097.2); c.1325C>T, p.Ser442Leu (NM_001271098.2); c.1241C>T, p.Ser414Leu (NM_001271099.2); c.1148C>T, p.Ser383Leu (NM_001271100.2); c.1439C>T, p.Ser480Leu (NM_001362895.2, NM_001362896.2); c.1388C>T, p.Ser463Leu (NM_001362897.2); and 1 more; short protein forms S383L, S397L, S400L, S414L, S425L, S426L, S442L, S443L.
Identifiers: ClinVar variation 2442768 (VCV002442768.2), dbSNP rs867646760, ClinGen allele CA372486638.

ClinVar aggregate classification (germline): Uncertain significance (1 of 4 stars; one submission).

Allele frequency attached by ClinVar (database versions not stated): gnomAD exomes below 0.00001.

Submission:

GeneDx
Classification: Uncertain significance. Last evaluated: 2024-04-02. Review status: criteria provided, single submitter. Criteria: GeneDx Variant Classification Process June 2021. Collection method: clinical testing. Allele origin: germline. Affected: yes.
Comment: Not observed at significant frequency in large population cohorts (gnomAD); In silico analysis supports that this missense variant has a deleterious effect on protein structure/function; Has not been previously published as pathogenic or benign to our knowledge